The following is an entry in ClinVar:

ClinVar aggregate classification (germline): Conflicting classifications of pathogenicity. Review status: criteria provided, conflicting classifications (1 of 4 stars). 9 submissions from 9 submitters: Uncertain significance (6); Likely benign (1). 2 of the submissions do not count toward it. Last evaluated 2025-03-10.

Conditions:
Hereditary cancer-predisposing syndrome. Also called: Tumor predisposition; Neoplastic Syndromes, Hereditary; Hereditary Cancer Syndrome; Hereditary neoplastic syndrome. Identifiers: Orphanet 140162, MedGen C0027672, MeSH D009386, MONDO:0015356.
Hereditary breast ovarian cancer syndrome. Also called: Hereditary breast and ovarian cancer syndrome (HBOC); Hereditary breast and ovarian cancer syndrome; Hereditary breast and ovarian cancer; Hereditary breast and/or ovarian cancer syndrome; Breast and ovarian cancer; BRCA1- and BRCA2-Associated Hereditary Breast and Ovarian Cancer. Identifiers: Orphanet 145, MedGen C0677776, MeSH D061325, MONDO:0003582. Disease mechanism: loss of function.
Breast-ovarian cancer, familial, susceptibility to, 1 (BROVCA1). Also called: OVARIAN CANCER, SUSCEPTIBILITY TO; BRCA1 Hereditary Breast and Ovarian Cancer. Identifiers: Orphanet 145, MedGen C2676676, MONDO:0011450, OMIM 604370. Disease mechanism: loss of function.
Familial cancer of breast. Also called: Hereditary breast cancer; hereditary breast carcinoma; BREAST CANCER, FAMILIAL. Identifiers: Orphanet 227535, MedGen C0346153, MONDO:0016419, OMIM 114480. Disease mechanism: loss of function.

Submissions (9):

Women's Health and Genetics/Laboratory Corporation of America, LabCorp
Classification: Uncertain significance. Last evaluated: 2025-03-10. Review status: criteria provided, single submitter. Criteria: LabCorp Variant Classification Summary - May 2015. Collection method: clinical testing. Allele origin: germline.
Comment: Variant summary: BRCA1 c.1642A>G (p.Ile548Val) results in a conservative amino acid change in the encoded protein sequence. Four of five in-silico tools predict a benign effect of the variant on protein function. The variant was absent in 250836 control chromosomes. The available data on variant occurrences in the general population are insufficient to allow any conclusion about variant significance. c.1642A>G has been reported in the literature in individuals affected with Hereditary Breast And Ovarian Cancer Syndrome (Zhang_2022). These report(s) do not provide unequivocal conclusions about association of the variant with Hereditary Breast And Ovarian Cancer Syndrome. To our knowledge, no experimental evidence demonstrating an impact on protein function has been reported. The following publication have been ascertained in the context of this evaluation (PMID: 35918668). ClinVar contains an entry for this variant (Variation ID: 54316). Based on the evidence outlined above, the variant was classified as uncertain significance.

Labcorp Genetics (formerly Invitae), Labcorp
Classification: Uncertain significance for Hereditary breast ovarian cancer syndrome. Last evaluated: 2024-11-22. Review status: criteria provided, single submitter. Criteria: Invitae Variant Classification Sherloc (09022015). Collection method: clinical testing. Allele origin: germline.
Comment: This sequence change replaces isoleucine, which is neutral and non-polar, with valine, which is neutral and non-polar, at codon 548 of the BRCA1 protein (p.Ile548Val). This variant is not present in population databases (gnomAD no frequency). This missense change has been observed in individual(s) with clinical features of BRCA1-related conditions (PMID: 10923033, 35918668). ClinVar contains an entry for this variant (Variation ID: 54316). Invitae Evidence Modeling of protein sequence and biophysical properties (such as structural, functional, and spatial information, amino acid conservation, physicochemical variation, residue mobility, and thermodynamic stability) indicates that this missense variant is not expected to disrupt BRCA1 protein function with a negative predictive value of 80%. In summary, the available evidence is currently insufficient to determine the role of this variant in disease. Therefore, it has been classified as a Variant of Uncertain Significance.

Ambry Genetics
Classification: Uncertain significance for Hereditary cancer-predisposing syndrome. Last evaluated: 2024-10-09. Review status: criteria provided, single submitter. Criteria: Ambry Variant Classification Scheme 2023. Collection method: clinical testing. Allele origin: germline.
Comment: The p.I548V variant (also known as c.1642A>G), located in coding exon 9 of the BRCA1 gene, results from an A to G substitution at nucleotide position 1642. The isoleucine at codon 548 is replaced by valine, an amino acid with highly similar properties. This variant was classified as uncertain in a multifactorial model of variant interpretation that incorporates co-segregation, family history, co-occurrence and tumor pathology and case-control data (Parsons MT et al. Hum Mutat, 2019 Sep;40:1557-1578). This variant was detected in 1/1664 Chinese Hakka patients with breast and/or ovarian cancer (Zhang Y et al. BMC Cancer, 2022 Aug;22:842). This amino acid position is not well conserved in available vertebrate species. In addition, the in silico prediction for this alteration is inconclusive. Based on the available evidence, the clinical significance of this variant remains unclear.

University of Washington Department of Laboratory Medicine, University of Washington
Classification: Likely benign for Hereditary cancer-predisposing syndrome. Last evaluated: 2023-03-23. Review status: criteria provided, single submitter. Criteria: Dines et al. (Genet Med. 2020). Collection method: curation. Allele origin: germline.
Comment: Missense variant in a coldspot region where missense variants are very unlikely to be pathogenic (PMID:31911673).

BRCA1 coldspot (exon 11 using historical exon numbering). Reclassification based on statistical prior probability

GeneDx
Classification: Uncertain significance. Last evaluated: 2022-03-25. Review status: criteria provided, single submitter. Criteria: GeneDx Variant Classification Process June 2021. Collection method: clinical testing. Allele origin: germline. Affected: yes.
Comment: Not observed at significant frequency in large population cohorts (gnomAD); In silico analysis supports that this missense variant does not alter protein structure/function; Has not been previously published as pathogenic or benign to our knowledge; Also known as 1761A>G; This variant is associated with the following publications: (PMID: 31131967, 15343273)

Color Diagnostics, LLC DBA Color Health
Classification: Uncertain significance for Hereditary cancer-predisposing syndrome. Last evaluated: 2020-11-23. Review status: criteria provided, single submitter. Criteria: ACMG Guidelines, 2015. Collection method: clinical testing. Allele origin: germline.
Comment: This missense variant replaces isoleucine with valine at codon 548 of the BRCA1 protein. Computational prediction is inconclusive regarding the impact of this variant on protein structure and function (internally defined REVEL score threshold 0.5 < inconclusive < 0.7, PMID: 27666373). To our knowledge, functional studies have not been reported for this variant. This variant has not been reported in individuals affected with hereditary cancer in the literature. This variant has not been identified in the general population by the Genome Aggregation Database (gnomAD). The available evidence is insufficient to determine the role of this variant in disease conclusively. Therefore, this variant is classified as a Variant of Uncertain Significance.

ARUP Laboratories, Molecular Genetics and Genomics, ARUP Laboratories
Classification: Uncertain significance. Last evaluated: 2020-07-09. Review status: criteria provided, single submitter. Criteria: ARUP Molecular Germline Variant Investigation Process. Collection method: clinical testing. Allele origin: germline.
Comment: The BRCA1 c.1642A>G; p.Ile548Val variant (rs80356981), to our knowledge, is not reported in the medical literature but is reported in ClinVar (Variation ID: 54316). This variant is absent from general population databases (Exome Variant Server, Genome Aggregation Database), indicating it is not a common polymorphism. The isoleucine at codon 548 is moderately conserved, but computational analyses (SIFT, PolyPhen-2) predict that this variant is tolerated. Given the lack of clinical and functional data, the significance of this variant is uncertain at this time.

Breast Cancer Information Core (BIC) (BRCA1)
Classification: Uncertain significance for Breast-ovarian cancer, familial 1. Last evaluated: 2004-11-25. Review status: no assertion criteria provided. Collection method: clinical testing. Allele origin: germline. Affected: yes. Observed: 1 variant allele. Not counted in ClinVar's aggregate classification.

Center for Precision Medicine, Meizhou People's Hospital
Classification: Uncertain significance for Familial cancer of breast. Review status: no assertion criteria provided. Collection method: curation. Allele origin: germline. Affected: yes. Not counted in ClinVar's aggregate classification.

Literature cited by the submitters: PubMed 35918668 (cited by 3 submitters); PubMed 10923033 (cited by Labcorp Genetics (formerly Invitae), Labcorp); PubMed 31131967 (cited by Ambry Genetics).

NM_007294.4(BRCA1):c.1642A>G (p.Ile548Val)

Gene: BRCA1 (BRCA1 DNA repair associated; minus strand). Cytogenetic location: 17q21.31.
Variant type: single nucleotide variant.
Coding change: c.1642A>G on transcript NM_007294.4 (MANE Select); coding-DNA position 1642, A replaced by G.
Protein change: p.Ile548Val; replaces isoleucine 548 with valine.
Molecular consequence: missense variant. On other transcripts: intron variant (137).
Genome position (GRCh38, 1-based): chr17:43,093,889, T>C on the plus strand (A>G on the coding strand, the complement: BRCA1 is on the minus strand). VCF-style: chr17-43093889-T-C. GRCh37 (hg19) VCF-style: chr17-41245906-T-C.
Other names: c.1501A>G, p.Ile501Val (NM_001407852.1, NM_001407942.1, NM_001407944.1 and 29 more transcripts); c.1429A>G, p.Ile477Val (NM_001407853.1, NM_001407894.1, NM_001407895.1 and 9 more transcripts); c.1642A>G, p.Ile548Val (NM_001407854.1, NM_001407858.1, NM_001407859.1 and 30 more transcripts); c.1639A>G, p.Ile547Val (NM_001407860.1, NM_001407861.1, NM_001407587.1 and 22 more transcripts); c.1441A>G, p.Ile481Val (NM_001407862.1); c.1519A>G, p.Ile507Val (NM_001407863.1, NM_001407919.1, NM_001407937.1 and 19 more transcripts); c.1438A>G, p.Ile480Val (NM_001407874.1, NM_001407875.1); c.1432A>G, p.Ile478Val (NM_001407879.1, NM_001407881.1, NM_001407882.1 and 13 more transcripts); and 40 more; short protein forms I548V, I501V, I437V, I481V, I507V, I522V, I252V, I380V.
Identifiers: ClinVar variation 54316 (VCV000054316.27), dbSNP rs80356981, ClinGen allele CA001087.
Genomic context (GRCh38, chr17:43,093,889, plus strand): 5'-GATTTTTCTCATTCTGAATAGAATCACCTTTTGTTTTATTCTCATGACCACTATTAGTAA[T>C]ATTCATCACTTGACCATTCTGCTCCGTTTGGTTAGTTCCCTGATTTATCATTTCAGGAGT-3'
Protein context (NP_009225.1, residues 538-558): QTEQNGQVMN[Ile548Val]TNSGHENKTK